The following continues an entry in ClinVar:

NM_000235.4(LIPA):c.894G>A (p.Gln298=)

Gene: LIPA. ClinVar aggregate classification (germline): Pathogenic/Likely pathogenic. Pathogenic (27); Likely pathogenic (3).

Submissions 46 to 49 of 49:

Dr. Peter K. Rogan Lab, Western University
No classification provided (evidence only). Condition: Hepatocellular carcinoma. Review status: no classification provided. Collection method: in vitro. Allele origin: not applicable. Functional consequence: skipped exon, retained intron. Not counted in ClinVar's aggregate classification.

Dr. Peter K. Rogan Lab, Western University
No classification provided (evidence only). Condition: Ovarian serous cystadenocarcinoma. Review status: no classification provided. Collection method: in vitro. Allele origin: not applicable. Functional consequence: skipped exon. Not counted in ClinVar's aggregate classification.

GeneReviews
No classification provided. Condition: Lysosomal acid lipase deficiency. Review status: no classification provided. Collection method: literature only. Allele origin: germline. Affected: yes. Not counted in ClinVar's aggregate classification.
Comment: At splice donor site of exon 8, resulting in alternative splicing and subsequent skipping of exon 8.

Genome Diagnostics Laboratory, Amsterdam University Medical Center
Classification: Pathogenic. Review status: no assertion criteria provided. Collection method: clinical testing. Allele origin: germline. Affected: yes. Study: VKGL Data-share Consensus. Not counted in ClinVar's aggregate classification.

Literature cited by the submitters: PubMed 22227072 (cited by 10 submitters); PubMed 23424026 (cited by 4 submitters); PubMed 23485521 (cited by 4 submitters); PubMed 7759067 (cited by 4 submitters); PubMed 8617513 (cited by 7 submitters); PubMed 9684740 (cited by 5 submitters); PubMed 17576681 (cited by Labcorp Genetics (formerly Invitae), Labcorp); PubMed 9536098 (cited by Labcorp Genetics (formerly Invitae), Labcorp); PubMed 8254026 (cited by 9 submitters); PubMed 31392116 (cited by 3 submitters); PubMed 7751811 (cited by 5 submitters); PubMed 10562460 (cited by 6 submitters); PubMed 16255772 (cited by Ambry Genetics and Mayo Clinic Laboratories, Mayo Clinic); PubMed 24072694 (cited by 5 submitters); PubMed 26350820 (cited by Ambry Genetics); PubMed 28502505 (cited by 3 submitters); PubMed 28502515 (cited by Ambry Genetics and Mayo Clinic Laboratories, Mayo Clinic); PubMed 26225414 (cited by Mayo Clinic Laboratories, Mayo Clinic and Illumina Laboratory Services, Illumina); PubMed 35903350 (cited by Mayo Clinic Laboratories, Mayo Clinic); PubMed 8598644 (cited by GENinCode PLC and OMIM); PubMed 25722898 (cited by GENinCode PLC and Illumina Laboratory Services, Illumina); PubMed 28220406 (cited by GENinCode PLC); PubMed 29958253 (cited by GENinCode PLC and Women's Health and Genetics/Laboratory Corporation of America, LabCorp); PubMed 31182375 (cited by 3 submitters); PubMed 32058863 (cited by GENinCode PLC); PubMed 21757691 (cited by Myriad Genetics, Inc.); Maslen, C. L., Illingworth, D. R. Molecular genetics of cholesterol ester hydrolase deficiency. (Abstract) Am. J. Hum. Genet. 53 (suppl.): A926, 1993. (cited by OMIM); NCBI Bookshelf NBK305870 (cited by GeneReviews).